The following is an entry in ClinVar:

ClinVar aggregate classification (germline): Uncertain significance. Review status: criteria provided, multiple submitters, no conflicts (2 of 4 stars). 4 submissions from 4 submitters: Uncertain significance (4). Last evaluated 2025-09-11.

Conditions:
Cardiovascular phenotype. Identifiers: MedGen CN230736.
Cardiomyopathy (CMYO). Also called: Cardiomyopathies. Identifiers: Orphanet 167848, MedGen C0878544, MONDO:0004994, HP:0001638. Inheritance: Various modes of inheritance.
Hypertrophic cardiomyopathy. Also called: HYPERTROPHIC MYOCARDIOPATHY. Identifiers: Orphanet 217569, MedGen C0007194, MeSH D002312, MONDO:0005045, HP:0001639.

Allele frequency attached by ClinVar (database versions not stated): gnomAD exomes below 0.00001.
gnomAD v4.1: 2 of 1,613,912 alleles (0.00012%); highest among the groups gnomAD compares: Non-Finnish European, 0.00017%; no homozygotes.

Submissions (4):

Color Diagnostics, LLC DBA Color Health
Classification: Uncertain significance for Cardiomyopathy. Last evaluated: 2025-09-11. Review status: criteria provided, single submitter. Criteria: ACMG Guidelines, 2015. Collection method: clinical testing. Allele origin: germline.
Comment: This missense variant replaces asparagine with serine at codon 661 of the MYH7 protein. This variant is found within a highly conserved region of the myosin head domain. Missense variants in this region have been shown to be significantly overrepresented in individuals with hypertrophic cardiomyopathy (PMID: 27532257). Computational prediction suggests that this variant may have deleterious impact on protein structure and function. To our knowledge, functional studies have not been reported for this variant. This variant has not been reported in individuals affected with MYH7-related disorders in the literature. This variant has been identified in 1/251478 chromosomes in the general population by the Genome Aggregation Database (gnomAD). The available evidence is insufficient to determine the role of this variant in disease conclusively. Therefore, this variant is classified as a Variant of Uncertain Significance.

GeneDx
Classification: Uncertain significance. Last evaluated: 2025-05-11. Review status: criteria provided, single submitter. Criteria: GeneDx Variant Classification Process June 2021. Collection method: clinical testing. Allele origin: germline. Affected: yes.
Comment: Not observed at significant frequency in large population cohorts (gnomAD); In silico analysis supports that this missense variant has a deleterious effect on protein structure/function; Has not been previously published as pathogenic or benign to our knowledge; This variant is associated with the following publications: (PMID: 27532257, 29300372)

Labcorp Genetics (formerly Invitae), Labcorp
Classification: Uncertain significance for Hypertrophic cardiomyopathy. Last evaluated: 2025-04-21. Review status: criteria provided, single submitter. Criteria: Invitae Variant Classification Sherloc (09022015). Collection method: clinical testing. Allele origin: germline.
Comment: This sequence change replaces asparagine, which is neutral and polar, with serine, which is neutral and polar, at codon 661 of the MYH7 protein (p.Asn661Ser). This variant is present in population databases (no rsID available, gnomAD 0.0009%). This variant has not been reported in the literature in individuals affected with MYH7-related conditions. ClinVar contains an entry for this variant (Variation ID: 407170). Invitae Evidence Modeling of protein sequence and biophysical properties (such as structural, functional, and spatial information, amino acid conservation, physicochemical variation, residue mobility, and thermodynamic stability) indicates that this missense variant is expected to disrupt MYH7 protein function with a positive predictive value of 95%. In summary, the available evidence is currently insufficient to determine the role of this variant in disease. Therefore, it has been classified as a Variant of Uncertain Significance.

Ambry Genetics
Classification: Uncertain significance for Cardiovascular phenotype. Last evaluated: 2023-08-14. Review status: criteria provided, single submitter. Criteria: Ambry Variant Classification Scheme 2023. Collection method: clinical testing. Allele origin: germline.
Comment: The p.N661S variant (also known as c.1982A>G), located in coding exon 16 of the MYH7 gene, results from an A to G substitution at nucleotide position 1982. The asparagine at codon 661 is replaced by serine, an amino acid with highly similar properties. This amino acid position is highly conserved in available vertebrate species. In addition, this alteration is predicted to be tolerated by in silico analysis. Since supporting evidence is limited at this time, the clinical significance of this alteration remains unclear.

Literature cited by the submitters: PubMed 27532257 (cited by Color Diagnostics, LLC DBA Color Health).

NM_000257.4(MYH7):c.1982A>G (p.Asn661Ser)

Gene: MYH7 (myosin heavy chain 7; minus strand). Cytogenetic location: 14q11.2.
Variant type: single nucleotide variant.
Coding change: c.1982A>G on transcript NM_000257.4 (MANE Select); coding-DNA position 1982, A replaced by G.
Protein change: p.Asn661Ser; replaces asparagine 661 with serine.
Molecular consequence: missense variant.
Genome position (GRCh38, 1-based): chr14:23,426,839, T>C on the plus strand (A>G on the coding strand, the complement: MYH7 is on the minus strand). VCF-style: chr14-23426839-T-C. GRCh37 (hg19) VCF-style: chr14-23896048-T-C.
Other names: c.1982A>G (LRG_384t1); short protein forms N661S.
Identifiers: ClinVar variation 407170 (VCV000407170.18), dbSNP rs1060501435, ClinGen allele CA16614494.